The following is an entry in ClinVar:

NM_001127217.3(SMAD9):c.348A>G (p.Pro116=)

Gene: SMAD9 (SMAD family member 9; minus strand). Cytogenetic location: 13q13.3.
Variant type: single nucleotide variant.
Coding change: c.348A>G on transcript NM_001127217.3 (MANE Select); coding-DNA position 348, A replaced by G.
Protein change: p.Pro116=; no amino-acid change (proline 116 retained).
Molecular consequence: synonymous variant.
Genome position (GRCh38, 1-based): chr13:36,879,342, T>C on the plus strand (A>G on the coding strand, the complement: SMAD9 is on the minus strand). VCF-style: chr13-36879342-T-C. GRCh37 (hg19) VCF-style: chr13-37453479-T-C.
Other names: c.348A>G, p.Pro116= (NM_001378621.1, NM_005905.6).
Identifiers: ClinVar variation 2755561 (VCV002755561.5), dbSNP rs182137303, ClinGen allele CA6950589.

ClinVar aggregate classification (germline): Benign. Review status: criteria provided, multiple submitters, no conflicts (2 of 4 stars). 3 submissions from 3 submitters: Benign (2). 1 of the submissions does not count toward it. Last evaluated 2025-07-25.

Conditions:
Pulmonary hypertension, primary, 2. Identifiers: Orphanet 422, MedGen C3888002, MONDO:0014134, OMIM 615342.
SMAD9-related disorder. Also called: SMAD9-related condition.

Allele frequency attached by ClinVar (database versions not stated): gnomAD 0.00012 and 0.00019; 1000 Genomes Project 0.00100; 1000 Genomes Project 30x 0.00156; TOPMed 0.00016 and 0.00025.
gnomAD v4.1: 86 of 1,614,126 alleles (0.0053%); highest among the groups gnomAD compares: East Asian, 0.16%; no homozygotes.

Submissions (3):

Labcorp Genetics (formerly Invitae), Labcorp
Classification: Benign for Pulmonary hypertension, primary, 2. Last evaluated: 2025-07-25. Review status: criteria provided, single submitter. Criteria: Invitae Variant Classification Sherloc (09022015). Collection method: clinical testing. Allele origin: germline.

ARUP Laboratories, Molecular Genetics and Genomics, ARUP Laboratories
Classification: Benign for Pulmonary hypertension, primary, 2. Last evaluated: 2024-07-18. Review status: criteria provided, single submitter. Criteria: ARUP Molecular Germline Variant Investigation Process 2024. Collection method: clinical testing. Allele origin: germline.

PreventionGenetics, part of Exact Sciences
Classification: Likely benign for SMAD9-related condition. Last evaluated: 2024-03-05. Review status: no assertion criteria provided. Collection method: clinical testing. Allele origin: germline. Not counted in ClinVar's aggregate classification.
Comment: This variant is classified as likely benign based on ACMG/AMP sequence variant interpretation guidelines (Richards et al. 2015 PMID: 25741868, with internal and published modifications).